The following is an entry in ClinVar:

ClinVar aggregate classification (germline): Benign. Review status: reviewed by expert panel (3 of 4 stars). 5 submissions from 5 submitters: Benign (1). 4 of the submissions do not count toward it. Last evaluated 2023-04-14.

Conditions:
CDKL5 disorder. Identifiers: MedGen CN296942, MONDO:0100039.
Inborn genetic diseases. Identifiers: MedGen C0950123, MeSH D030342.
Developmental and epileptic encephalopathy, 2 (DEE2). Also called: INFANTILE SPASM SYNDROME, X-LINKED 2; CDKL5 deficiency disorder. Identifiers: Orphanet 1934, Orphanet 3451, Orphanet 505652, MedGen C4750718, MONDO:0010396, OMIM 300672.
Angelman syndrome-like. Identifiers: MedGen CN128785.

Allele frequency attached by ClinVar (database versions not stated): gnomAD exomes 0.00001; gnomAD 0.00011 and 0.00012; TOPMed 0.00012.
gnomAD v4.1: 30 of 1,209,931 alleles (0.0025%); highest among the groups gnomAD compares: African/African-American, 0.038%; no homozygotes.

Submissions (5):

ClinGen Rett and Angelman-like Disorders Variant Curation Expert Panel
Classification: Benign for CDKL5 disorder. Last evaluated: 2023-04-14. Review status: reviewed by expert panel. Criteria: ClinGen RettAS ACMG Specifications V2. Collection method: curation. Allele origin: germline. Inheritance: X-linked inheritance.
Comment: The allele frequency of the p.Pro852Leu variant in CDKL5 is 0.031% in African sub population in gnomAD, which is high enough to be classified as benign based on thresholds defined by the ClinGen Rett/Angelman-like Expert Panel for Rett/AS-like conditions (BA1). In summary, the p.Pro852Leu variant in CDKL5 is classified as benign based on the ACMG/AMP criteria (BA1).

Labcorp Genetics (formerly Invitae), Labcorp
Classification: Likely benign for Developmental and epileptic encephalopathy, 2; Angelman syndrome-like. Last evaluated: 2025-12-16. Review status: criteria provided, single submitter. Criteria: Invitae Variant Classification Sherloc (09022015). Collection method: clinical testing. Allele origin: germline. Not counted in ClinVar's aggregate classification.

Ambry Genetics
Classification: Likely benign for Inborn genetic diseases. Last evaluated: 2024-08-10. Review status: criteria provided, single submitter. Criteria: Ambry Variant Classification Scheme 2023. Collection method: clinical testing. Allele origin: germline. Not counted in ClinVar's aggregate classification.

GeneDx
Classification: Likely benign. Last evaluated: 2020-04-10. Review status: criteria provided, single submitter. Criteria: GeneDx Variant Classification Process June 2021. Collection method: clinical testing. Allele origin: germline. Affected: yes. Not counted in ClinVar's aggregate classification.

Neuberg Centre For Genomic Medicine, NCGM
Classification: Uncertain significance for Developmental and epileptic encephalopathy, 2. Review status: criteria provided, single submitter. Criteria: ACMG Guidelines, 2015. Collection method: clinical testing. Allele origin: germline. Inheritance: X-linked inheritance. Affected: yes. Not counted in ClinVar's aggregate classification.
Comment: The missense variant c.2555C>T (p.Pro852Leu) in CDKL5 gene has not been reported previously as a pathogenic variant nor as a benign variant, to our knowledge. This variant has been reported to the ClinVar database with conflicting interpretations of pathogenicity as Likely Benign/Uncertain Significance. The p.Pro852Leu variant is novel (not in any individuals) in gnomAD Exomes and 1000 Genomes. The amino acid Pro at position 852 is changed to a Leu changing protein sequence and it might alter its composition and physico-chemical properties. The variant is predicted to be damaging by SIFT and the residue is conserved across species. The amino acid change p.Pro852Leu in CDKL5 is predicted as conserved by GERP++ and PhyloP across 100 vertebrates. For these reasons, this variant has been classified as Uncertain Significance.

NM_001323289.2(CDKL5):c.2555C>T (p.Pro852Leu)

Gene: CDKL5 (cyclin dependent kinase like 5; plus strand). Cytogenetic location: Xp22.13.
Variant type: single nucleotide variant.
Coding change: c.2555C>T on transcript NM_001323289.2 (MANE Select); coding-DNA position 2555, C replaced by T.
Protein change: p.Pro852Leu; replaces proline 852 with leucine.
Molecular consequence: missense variant.
Genome position (GRCh38, 1-based): chrX:18,628,429, C>T. VCF-style: chrX-18628429-C-T. GRCh37 (hg19) VCF-style: chrX-18646549-C-T.
Other names: p.P852L:CCG>CTG; NM_001323289.2(CDKL5):c.2555C>T; p.Pro852Leu; c.2555C>T, p.Pro852Leu (NM_001037343.2, NM_003159.3); short protein forms P852L.
Identifiers: ClinVar variation 156690 (VCV000156690.15), dbSNP rs587783156, ClinGen allele CA294764.